The following is an entry in ClinVar:

NM_018127.7(ELAC2):c.838G>A (p.Asp280Asn)

Gene: ELAC2 (elaC ribonuclease Z 2; minus strand). Cytogenetic location: 17p12.
Variant type: single nucleotide variant.
Coding change: c.838G>A on transcript NM_018127.7 (MANE Select); coding-DNA position 838, G replaced by A.
Protein change: p.Asp280Asn; replaces aspartic acid 280 with asparagine.
Molecular consequence: missense variant.
Genome position (GRCh38, 1-based): chr17:13,005,785, C>T on the plus strand (G>A on the coding strand, the complement: ELAC2 is on the minus strand). VCF-style: chr17-13005785-C-T. GRCh37 (hg19) VCF-style: chr17-12909102-C-T.
Other names: c.718G>A, p.Asp240Asn (NM_001165962.2); c.838G>A, p.Asp280Asn (NM_173717.2); short protein forms D280N, D240N.
Identifiers: ClinVar variation 1446858 (VCV001446858.4), dbSNP rs953161128, ClinGen allele CA288085672.

ClinVar aggregate classification (germline): Uncertain significance (1 of 4 stars; one submission).

Conditions:
Combined oxidative phosphorylation defect type 17. Also called: Combined oxidative phosphorylation deficiency 17. Identifiers: Orphanet 369913, MedGen C3809526, MONDO:0014190, OMIM 615440.

Allele frequency attached by ClinVar (database versions not stated): TOPMed below 0.00001; gnomAD exomes 0.00001.
gnomAD v4.1: 9 of 1,614,156 alleles (0.00056%); highest among the groups gnomAD compares: Non-Finnish European, 0.00076%; no homozygotes.

Submission:

Labcorp Genetics (formerly Invitae), Labcorp
Classification: Uncertain significance for Combined oxidative phosphorylation defect type 17. Last evaluated: 2021-10-16. Review status: criteria provided, single submitter. Criteria: Invitae Variant Classification Sherloc (09022015). Collection method: clinical testing. Allele origin: germline.
Comment: In summary, the available evidence is currently insufficient to determine the role of this variant in disease. Therefore, it has been classified as a Variant of Uncertain Significance. Algorithms developed to predict the effect of missense changes on protein structure and function output the following: SIFT: "Tolerated"; PolyPhen-2: "Benign"; Align-GVGD: "Class C0". The asparagine amino acid residue is found in multiple mammalian species, which suggests that this missense change does not adversely affect protein function. This variant has not been reported in the literature in individuals affected with ELAC2-related conditions. This variant is not present in population databases (ExAC no frequency). This sequence change replaces aspartic acid with asparagine at codon 280 of the ELAC2 protein (p.Asp280Asn). The aspartic acid residue is weakly conserved and there is a small physicochemical difference between aspartic acid and asparagine.